The following is an entry in ClinVar:

ClinVar aggregate classification (germline): Conflicting classifications of pathogenicity. Review status: criteria provided, conflicting classifications (1 of 4 stars). 6 submissions from 6 submitters: Uncertain significance (4); Likely benign (1). 1 of the submissions does not count toward it. Last evaluated 2025-02-01.

Conditions:
Familial hemophagocytic lymphohistiocytosis 3 (FHL3). Also called: UNC13D-Related Familial Hemophagocytic Lymphohistiocytosis (UNC13D-fHLH). Identifiers: Orphanet 540, MedGen C1837174, MONDO:0012146, OMIM 608898.
Inborn genetic diseases. Identifiers: MedGen C0950123, MeSH D030342.

Allele frequency attached by ClinVar (database versions not stated): 1000 Genomes Project 30x 0.00016; gnomAD exomes 0.00017; ExAC 0.00033; TOPMed 0.00045; gnomAD 0.00050; ESP Exome Variant Server 0.00077.
gnomAD v4.1: 224 of 1,588,998 alleles (0.014%); highest among the groups gnomAD compares: African/African-American, 0.2%; no homozygotes.

Submissions (6):

Mayo Clinic Laboratories, Mayo Clinic
Classification: Uncertain significance. Last evaluated: 2025-02-01. Review status: criteria provided, single submitter. Criteria: ACMG Guidelines, 2015. Collection method: clinical testing. Allele origin: germline. Observed: 1 variant allele.
Comment: BP4

Labcorp Genetics (formerly Invitae), Labcorp
Classification: Uncertain significance for Familial hemophagocytic lymphohistiocytosis 3. Last evaluated: 2024-12-16. Review status: criteria provided, single submitter. Criteria: Invitae Variant Classification Sherloc (09022015). Collection method: clinical testing. Allele origin: germline.
Comment: This sequence change replaces arginine, which is basic and polar, with histidine, which is basic and polar, at codon 928 of the UNC13D protein (p.Arg928His). This variant is present in population databases (rs113461073, gnomAD 0.2%). This variant has not been reported in the literature in individuals affected with UNC13D-related conditions. ClinVar contains an entry for this variant (Variation ID: 649665). Invitae Evidence Modeling of protein sequence and biophysical properties (such as structural, functional, and spatial information, amino acid conservation, physicochemical variation, residue mobility, and thermodynamic stability) indicates that this missense variant is not expected to disrupt UNC13D protein function with a negative predictive value of 80%. In summary, the available evidence is currently insufficient to determine the role of this variant in disease. Therefore, it has been classified as a Variant of Uncertain Significance.

Blueprint Genetics
Classification: Likely benign. Last evaluated: 2024-10-08. Review status: criteria provided, single submitter. Criteria: ACMG Guidelines, 2015. Collection method: clinical testing. Allele origin: germline.

GeneDx
Classification: Uncertain significance. Last evaluated: 2023-01-18. Review status: criteria provided, single submitter. Criteria: GeneDx Variant Classification Process June 2021. Collection method: clinical testing. Allele origin: germline. Affected: yes.
Comment: In silico analysis supports that this missense variant does not alter protein structure/function; Has not been previously published as pathogenic or benign to our knowledge

Ambry Genetics
Classification: Uncertain significance for Inborn genetic diseases. Last evaluated: 2021-12-08. Review status: criteria provided, single submitter. Criteria: Ambry Variant Classification Scheme 2023. Collection method: clinical testing. Allele origin: germline.

Genetic Services Laboratory, University of Chicago
Classification: Uncertain significance. Last evaluated: 2022-06-20. Review status: no assertion criteria provided. Collection method: clinical testing. Allele origin: germline. Affected: no. Not counted in ClinVar's aggregate classification.
Comment: DNA sequence analysis of the UNC13D gene demonstrated a sequence change, c.2783G>A, in exon 21 that results in an amino acid change, p.Arg928His. This sequence change does not appear to have been previously described in individuals with UNC13D-related disorders. This sequence change has been described in the gnomAD database with a frequency of 0.16% in the African subpopulation (dbSNP rs113461073). The p.Arg928His change affects a moderately conserved amino acid residue located in a domain of the UNC13D protein that is known to be functional. The p.Arg928His substitution appears to be benign using several in-silico pathogenicity prediction tools (SIFT, PolyPhen2, Align GVGD, REVEL). Due to insufficient evidences and the lack of functional studies, the clinical significance of the p.Arg928His change remains unknown at this time.

Literature cited by the submitters: PubMed 35960392 (cited by Mayo Clinic Laboratories, Mayo Clinic).

NM_199242.3(UNC13D):c.2783G>A (p.Arg928His)

Genes: UNC13D (unc-13 homolog D; minus strand), LOC112533672 (Sharpr-MPRA regulatory region 1193; plus strand). Cytogenetic location: 17q25.1.
Variant type: single nucleotide variant.
Coding change: c.2783G>A on transcript NM_199242.3 (MANE Select); coding-DNA position 2783, G replaced by A.
Protein change: p.Arg928His; replaces arginine 928 with histidine.
Molecular consequence: missense variant.
Genome position (GRCh38, 1-based): chr17:75,830,409, C>T on the plus strand (G>A on the coding strand, the complement: UNC13D is on the minus strand). VCF-style: chr17-75830409-C-T. GRCh37 (hg19) VCF-style: chr17-73826490-C-T.
Other names: p.Arg928His; short protein forms R928H.
Identifiers: ClinVar variation 649665 (VCV000649665.12), dbSNP rs113461073, ClinGen allele CA8772393.